The following is an entry in ClinVar:

ClinVar aggregate classification (germline): Benign (1 of 4 stars; one submission).

Allele frequency attached by ClinVar (database versions not stated): gnomAD exomes 0.39972; gnomAD 0.51648; 1000 Genomes Project 30x 0.57917; TOPMed 0.53831; 1000 Genomes Project 0.57169.

Submissions (9):

Unidad de Genómica Garrahan, Hospital de Pediatría Garrahan
Classification: Benign. Last evaluated: 2024-01-24. Review status: criteria provided, single submitter. Criteria: ACMG Guidelines, 2015. Collection method: clinical testing. Allele origin: germline. Affected: no. Observed: 20 variant alleles.
Comment: This variant is classified as Benign based on local population frequency. This variant was detected in 23% of patients studied by a panel of primary immunodeficiencies. Number of patients: 20. Only high quality variants are reported.

Dr. Peter K. Rogan Lab, Western University
No classification provided (evidence only). Condition: Malignant lymphoma, large B-cell, diffuse. Review status: no classification provided. Collection method: in vitro. Allele origin: not applicable. Functional consequence: retained intron. Not counted in ClinVar's aggregate classification.

Dr. Peter K. Rogan Lab, Western University
No classification provided (evidence only). Condition: Malignant lymphoma, large B-cell, diffuse. Review status: no classification provided. Collection method: in vitro. Allele origin: not applicable. Functional consequence: retained intron. Not counted in ClinVar's aggregate classification.

Dr. Peter K. Rogan Lab, Western University
No classification provided (evidence only). Condition: Malignant lymphoma, large B-cell, diffuse. Review status: no classification provided. Collection method: in vitro. Allele origin: not applicable. Functional consequence: retained intron. Not counted in ClinVar's aggregate classification.

Dr. Peter K. Rogan Lab, Western University
No classification provided (evidence only). Condition: Malignant lymphoma, large B-cell, diffuse. Review status: no classification provided. Collection method: in vitro. Allele origin: not applicable. Functional consequence: retained intron. Not counted in ClinVar's aggregate classification.

Dr. Peter K. Rogan Lab, Western University
No classification provided (evidence only). Condition: Malignant lymphoma, large B-cell, diffuse. Review status: no classification provided. Collection method: in vitro. Allele origin: not applicable. Functional consequence: retained intron. Not counted in ClinVar's aggregate classification.

Dr. Peter K. Rogan Lab, Western University
No classification provided (evidence only). Condition: Malignant lymphoma, large B-cell, diffuse. Review status: no classification provided. Collection method: in vitro. Allele origin: not applicable. Functional consequence: retained intron. Not counted in ClinVar's aggregate classification.

Dr. Peter K. Rogan Lab, Western University
No classification provided (evidence only). Condition: Hepatocellular carcinoma. Review status: no classification provided. Collection method: in vitro. Allele origin: not applicable. Functional consequence: retained intron. Not counted in ClinVar's aggregate classification.

Dr. Peter K. Rogan Lab, Western University
No classification provided (evidence only). Condition: Hepatocellular carcinoma. Review status: no classification provided. Collection method: in vitro. Allele origin: not applicable. Functional consequence: retained intron. Not counted in ClinVar's aggregate classification.

NM_002227.4(JAK1):c.3258+112G>T

Gene: JAK1 (Janus kinase 1; minus strand). Cytogenetic location: 1p31.3.
Variant type: single nucleotide variant.
Coding change: c.3258+112G>T on transcript NM_002227.4 (MANE Select); 112 bases into the intron after coding-DNA position 3258, G replaced by T.
Molecular consequence: intron variant.
Genome position (GRCh38, 1-based): chr1:64,835,986, C>A on the plus strand (G>T on the coding strand, the complement: JAK1 is on the minus strand). VCF-style: chr1-64835986-C-A. GRCh37 (hg19) VCF-style: chr1-65301669-C-A.
Other names: NC_000001.10:g.65301669C>A; c.3258+112G>T (NM_001321852.2, NM_001321854.2, NM_001321853.2 and 3 more transcripts); c.3255+112G>T (NM_001321857.2).
Identifiers: ClinVar variation 2688493 (VCV002688493.3), dbSNP rs2254002, ClinGen allele CA10772556.